The following is an entry in ClinVar:

ClinVar aggregate classification (germline): Uncertain significance. Review status: criteria provided, multiple submitters, no conflicts (2 of 4 stars). 3 submissions from 3 submitters: Uncertain significance (3). Last evaluated 2024-01-11.

Conditions:
Cardiomyopathy (CMYO). Also called: Cardiomyopathies. Identifiers: Orphanet 167848, MedGen C0878544, MONDO:0004994, HP:0001638. Inheritance: Various modes of inheritance.
Hypertrophic cardiomyopathy. Also called: HYPERTROPHIC MYOCARDIOPATHY. Identifiers: Orphanet 217569, MedGen C0007194, MeSH D002312, MONDO:0005045, HP:0001639.

Allele frequency attached by ClinVar (database versions not stated): gnomAD exomes 0.00001 and below 0.00001; TOPMed 0.00001; ExAC 0.00001; gnomAD 0.00001.

Submissions (3):

All of Us Research Program, National Institutes of Health
Classification: Uncertain significance for Cardiomyopathy. Last evaluated: 2024-01-11. Review status: criteria provided, single submitter. Criteria: ACMG Guidelines, 2015. Collection method: clinical testing. Allele origin: germline. Inheritance: Autosomal dominant inheritance. Observed: 1 variant allele, 1 heterozygote.
Comment: This study involves interpretation of variants in research participants for the purpose of population health screening. Participant phenotype was not available at the time of variant classification. Additional details can be found in publication PMID: 35346344, PMCID: PMC8962531

Color Diagnostics, LLC DBA Color Health
Classification: Uncertain significance for Cardiomyopathy. Last evaluated: 2022-11-21. Review status: criteria provided, single submitter. Criteria: ACMG Guidelines, 2015. Collection method: clinical testing. Allele origin: germline.
Comment: This missense variant replaces methionine with valine at codon 1765 of the MYH7 protein. Computational prediction is inconclusive regarding the impact of this variant on protein structure and function (internally defined REVEL score threshold 0.5 < inconclusive < 0.7, PMID: 27666373). To our knowledge, functional studies have not been reported for this variant. This variant has not been reported in individuals affected with MYH7-related disorders in the literature. This variant has been identified in 2/251494 chromosomes in the general population by the Genome Aggregation Database (gnomAD). The available evidence is insufficient to determine the role of this variant in disease conclusively. Therefore, this variant is classified as a Variant of Uncertain Significance.

Labcorp Genetics (formerly Invitae), Labcorp
Classification: Uncertain significance for Hypertrophic cardiomyopathy. Last evaluated: 2019-07-16. Review status: criteria provided, single submitter. Criteria: Invitae Variant Classification Sherloc (09022015). Collection method: clinical testing. Allele origin: germline.
Comment: In summary, the available evidence is currently insufficient to determine the role of this variant in disease. Therefore, it has been classified as a Variant of Uncertain Significance. Algorithms developed to predict the effect of missense changes on protein structure and function are either unavailable or do not agree on the potential impact of this missense change (SIFT: "Deleterious"; PolyPhen-2: "Probably Damaging"; Align-GVGD: "Class C0"). This variant has not been reported in the literature in individuals with MYH7-related conditions. This variant is present in population databases (rs770165807, ExAC 0.01%). This sequence change replaces methionine with valine at codon 1765 of the MYH7 protein (p.Met1765Val). The methionine residue is highly conserved and there is a small physicochemical difference between methionine and valine.

NM_000257.4(MYH7):c.5293A>G (p.Met1765Val)

Genes: MYH7 (myosin heavy chain 7; minus strand), LOC126861897 (BRD4-independent group 4 enhancer GRCh37_chr14:23884455-23885654; plus strand). Cytogenetic location: 14q11.2.
Variant type: single nucleotide variant.
Coding change: c.5293A>G on transcript NM_000257.4 (MANE Select); coding-DNA position 5293, A replaced by G.
Protein change: p.Met1765Val; replaces methionine 1765 with valine.
Molecular consequence: missense variant.
Genome position (GRCh38, 1-based): chr14:23,415,261, T>C on the plus strand (A>G on the coding strand, the complement: MYH7 is on the minus strand). VCF-style: chr14-23415261-T-C. GRCh37 (hg19) VCF-style: chr14-23884470-T-C.
Other names: short protein forms M1765V.
Identifiers: ClinVar variation 955656 (VCV000955656.11), dbSNP rs770165807, ClinGen allele CA046139.